The following is an entry in ClinVar:

ClinVar aggregate classification (germline): Conflicting classifications of pathogenicity. Review status: criteria provided, conflicting classifications (1 of 4 stars). 3 submissions from 3 submitters: Likely pathogenic (1); Uncertain significance (1). 1 of the submissions does not count toward it. Last evaluated 2023-05-10.

Conditions:
NADSYN1-related disorder. Also called: NADSYN1-related condition.
Vertebral, cardiac, renal, and limb defects syndrome 3. Also called: CONGENITAL NAD DEFICIENCY DISORDER 3. Identifiers: MedGen C5394250, MONDO:0030077, OMIM 618845.

Allele frequency attached by ClinVar (database versions not stated): TOPMed 0.00013; gnomAD exomes 0.00008; 1000 Genomes Project 30x 0.00031; ESP Exome Variant Server 0.00008; 1000 Genomes Project 0.00020; gnomAD 0.00007; ExAC 0.00008.
gnomAD v4.1: 133 of 1,613,928 alleles (0.0082%); highest among the groups gnomAD compares: Middle Eastern, 0.017%; no homozygotes.

Submissions (3):

Embryology Laboratory, Victor Chang Cardiac Research Institute
Classification: Likely pathogenic for Vertebral, cardiac, renal, and limb defects syndrome 3. Last evaluated: 2023-05-10. Review status: criteria provided, single submitter. Criteria: ACMG Guidelines, 2015. Collection method: research. Allele origin: paternal. Inheritance: Autosomal recessive inheritance. Affected: yes. Observed: 1 compound heterozygote.
Comment: This variant was found in compound heterozygosity with the pathogenic variant c.1717G>A.

Juno Genomics, Hangzhou Juno Genomics, Inc
Classification: Uncertain significance for Vertebral, cardiac, renal, and limb defects syndrome 3. Review status: criteria provided, single submitter. Criteria: ACMG Guidelines, 2015. Collection method: clinical testing. Allele origin: germline. Affected: yes.
Comment: Absent from controls (or at extremely low frequency if recessive) in Genome Aggregation Database, Exome Sequencing Project, 1000 Genomes Project, or Exome Aggregation Consortium.;For recessive disorders, detected in trans with a pathogenic variant.;Well-established in vitro or in vivo functional studies supportive of a damaging effect on the gene or gene product.

PreventionGenetics, part of Exact Sciences
Classification: Uncertain significance for NADSYN1-related condition. Last evaluated: 2024-05-17. Review status: no assertion criteria provided. Collection method: clinical testing. Allele origin: germline. Not counted in ClinVar's aggregate classification.
Comment: The NADSYN1 c.1759G>A variant is predicted to result in the amino acid substitution p.Asp587Asn. To our knowledge, this variant has not been reported in the literature. This variant is reported in 0.028% of alleles in individuals of European (Finnish) descent in gnomAD. At this time, the clinical significance of this variant is uncertain due to the absence of conclusive functional and genetic evidence.

NM_018161.5(NADSYN1):c.1759G>A (p.Asp587Asn)

Gene: NADSYN1 (NAD synthetase 1; plus strand). Cytogenetic location: 11q13.4.
Variant type: single nucleotide variant.
Coding change: c.1759G>A on transcript NM_018161.5 (MANE Select); coding-DNA position 1759, G replaced by A.
Protein change: p.Asp587Asn; replaces aspartic acid 587 with asparagine.
Molecular consequence: missense variant.
Genome position (GRCh38, 1-based): chr11:71,491,898, G>A. VCF-style: chr11-71491898-G-A. GRCh37 (hg19) VCF-style: chr11-71202944-G-A.
Other names: c.1759G>A (NM_018161.4); short protein forms D587N.
Identifiers: ClinVar variation 2575903 (VCV002575903.3), dbSNP rs201006776, ClinGen allele CA6163632.